The following is an entry in ClinVar:

NM_005585.5(SMAD6):c.793C>G (p.His265Asp)

Gene: SMAD6 (SMAD family member 6; plus strand). Cytogenetic location: 15q22.31.
Variant type: single nucleotide variant.
Coding change: c.793C>G on transcript NM_005585.5 (MANE Select); coding-DNA position 793, C replaced by G.
Protein change: p.His265Asp; replaces histidine 265 with aspartic acid.
Molecular consequence: missense variant. On other transcripts: non-coding transcript variant (1).
Genome position (GRCh38, 1-based): chr15:66,704,051, C>G. VCF-style: chr15-66704051-C-G. GRCh37 (hg19) VCF-style: chr15-66996389-C-G.
Other names: short protein forms H265D.
Identifiers: ClinVar variation 3061860 (VCV003061860.1), dbSNP rs1555434295, ClinGen allele CA392950259.

ClinVar aggregate classification (germline): Uncertain significance (1 of 4 stars; one submission).

Conditions:
Radioulnar synostosis, nonsyndromic, susceptibility to. Identifiers: MedGen C5241445, MONDO:0100183, OMIM 179300.
Craniosynostosis 7 (CRS7). Also called: CRANIOSYNOSTOSIS 7, DIGENIC; CRS7, DIGENIC. Identifiers: MedGen C4479496, MONDO:0044315, OMIM 617439.

Allele frequency attached by ClinVar (database versions not stated): TOPMed 0.00001.

Submission:

MVZ Medizinische Genetik Mainz
Classification: Uncertain significance for Radioulnar synostosis, nonsyndromic, susceptibility to; Craniosynostosis 7. Last evaluated: 2023-01-04. Review status: criteria provided, single submitter. Criteria: UK Practice Guidelines For Variant Classification V4 01 2020. Collection method: clinical testing. Allele origin: germline. Inheritance: Autosomal dominant inheritance. Affected: yes. Observed: 1 variant allele.
Comment: PM1_SUP, PM2_SUP, PM5_SUP, PP3 (ACMG Version 4)